The following is an entry in ClinVar:

ClinVar aggregate classification (germline): Pathogenic/Likely pathogenic. Review status: criteria provided, multiple submitters, no conflicts (2 of 4 stars). 2 submissions from 2 submitters: Pathogenic (1); Likely pathogenic (1). Last evaluated 2025-04-17.

Conditions:
Inborn genetic diseases. Identifiers: MedGen C0950123, MeSH D030342.

Submissions (2):

GeneDx
Classification: Pathogenic. Last evaluated: 2025-04-17. Review status: criteria provided, single submitter. Criteria: GeneDx Variant Classification Process June 2021. Collection method: clinical testing. Allele origin: germline. Affected: yes.
Comment: Not observed at significant frequency in large population cohorts (gnomAD); Missense variants in this gene are a common cause of disease and they are underrepresented in the general population; In silico analysis indicates that this missense variant does not alter protein structure/function; Has not been previously published as pathogenic or benign to our knowledge

Ambry Genetics
Classification: Likely pathogenic for Inborn genetic diseases. Last evaluated: 2018-06-12. Review status: criteria provided, single submitter. Criteria: Ambry exome assertion method (8-5-2015). Collection method: clinical testing. Allele origin: germline. Affected: yes. Observed: 1 variant allele.

NM_006009.4(TUBA1A):c.902A>G (p.Gln301Arg)

Gene: TUBA1A (tubulin alpha 1a; minus strand). Cytogenetic location: 12q13.12.
Variant type: single nucleotide variant.
Coding change: c.902A>G on transcript NM_006009.4 (MANE Select); coding-DNA position 902, A replaced by G.
Protein change: p.Gln301Arg; replaces glutamine 301 with arginine.
Molecular consequence: missense variant.
Genome position (GRCh38, 1-based): chr12:49,185,464, T>C on the plus strand (A>G on the coding strand, the complement: TUBA1A is on the minus strand). VCF-style: chr12-49185464-T-C. GRCh37 (hg19) VCF-style: chr12-49579247-T-C.
Other names: c.902A>G, p.Gln301Arg (NM_001270399.2); c.797A>G, p.Gln266Arg (NM_001270400.2); short protein forms Q266R, Q301R.
Identifiers: ClinVar variation 985026 (VCV000985026.4), dbSNP rs1942169309, ClinGen allele CA384638623.
Genomic context (GRCh38, chr12:49,185,464, plus strand): 5'-CCACGGTACAACAGGCAGCAAGCCATGTATTTACCATGGCGAGGGTCACATTTCACCATC[T>C]GGTTGGCTGGCTCAAAGCAAGCATTGGTGATCTCTGCTACAGAAAGCTGTTCATGGTAGG-3'
Protein context (NP_006000.2, residues 291-311): ITNACFEPAN[Gln301Arg]MVKCDPRHGK